The following is an entry in ClinVar:

ClinVar aggregate classification (germline): Uncertain significance (1 of 4 stars; one submission).

Submission:

GeneDx
Classification: Uncertain significance. Last evaluated: 2025-07-05. Review status: criteria provided, single submitter. Criteria: GeneDx Variant Classification Process June 2021. Collection method: clinical testing. Allele origin: germline. Affected: yes.
Comment: Frameshift variant predicted to result in protein truncation or nonsense mediated decay in a gene for which loss of function is a known mechanism of disease; Has not been previously published as pathogenic or benign to our knowledge

NM_173651.4(FSIP2):c.13987del (p.His4663fs)

Gene: FSIP2 (fibrous sheath interacting protein 2; plus strand). Cytogenetic location: 2q32.1.
Variant type: Deletion.
Coding change: c.13987del on transcript NM_173651.4 (MANE Select); coding-DNA position 13987, one base deleted (C; older notation c.13987delC).
Protein change: p.His4663fs; shifts the reading frame from histidine 4663.
Molecular consequence: frameshift variant.
Genome position (GRCh38, 1-based): chr2:185,803,293, C deleted. VCF-style (leftmost placement, unchanged base first): chr2-185803292-AC-A. GRCh37 (hg19) VCF-style: chr2-186668019-AC-A.
Other names: short protein forms H4663fs.
Identifiers: ClinVar variation 4685151 (VCV004685151.1).